The following is an entry in ClinVar:

NM_001035.3(RYR2):c.1477-7G>A

Gene: RYR2 (ryanodine receptor 2; plus strand). Cytogenetic location: 1q43.
Variant type: single nucleotide variant.
Coding change: c.1477-7G>A on transcript NM_001035.3 (MANE Select); 7 bases into the intron before coding-DNA position 1477, G replaced by A.
Molecular consequence: intron variant.
Genome position (GRCh38, 1-based): chr1:237,456,593, G>A. VCF-style: chr1-237456593-G-A. GRCh37 (hg19) VCF-style: chr1-237619893-G-A.
Identifiers: ClinVar variation 779539 (VCV000779539.37), dbSNP rs763127313, ClinGen allele CA085766.

ClinVar aggregate classification (germline): Likely benign. Review status: criteria provided, multiple submitters, no conflicts (2 of 4 stars). 5 submissions from 5 submitters: Likely benign (5). Last evaluated 2025-03-31.

Conditions:
Catecholaminergic polymorphic ventricular tachycardia 1. Also called: RYR2-Related Catecholaminergic Polymorphic Ventricular Tachycardia; VENTRICULAR TACHYCARDIA, STRESS-INDUCED POLYMORPHIC 1; VENTRICULAR TACHYCARDIA, CATECHOLAMINERGIC POLYMORPHIC, 1, WITH OR WITHOUT ATRIAL DYSFUNCTION AND/OR DILATED CARDIOMYOPATHY. Identifiers: Orphanet 3286, MedGen C1631597, MONDO:0011484, OMIM 604772.
Catecholaminergic polymorphic ventricular tachycardia (CVPT). Also called: Catecholamine-induced polymorphic ventricular tachycardia. Identifiers: Orphanet 3286, MedGen C5574922, MONDO:0017990.
Cardiomyopathy (CMYO). Also called: Cardiomyopathies. Identifiers: Orphanet 167848, MedGen C0878544, MONDO:0004994, HP:0001638. Inheritance: Various modes of inheritance.

Allele frequency attached by ClinVar (database versions not stated): gnomAD 0.00001 and 0.00002; TOPMed 0.00001.
gnomAD v4.1: 39 of 1,447,554 alleles (0.0027%); highest among the groups gnomAD compares: South Asian, 0.022%; no homozygotes.

Submissions (5):

Labcorp Genetics (formerly Invitae), Labcorp
Classification: Likely benign for Catecholaminergic polymorphic ventricular tachycardia 1. Last evaluated: 2025-03-31. Review status: criteria provided, single submitter. Criteria: Invitae Variant Classification Sherloc (09022015). Collection method: clinical testing. Allele origin: germline.

Blueprint Genetics
Classification: Likely benign. Last evaluated: 2024-05-21. Review status: criteria provided, single submitter. Criteria: ACMG Guidelines, 2015. Collection method: clinical testing. Allele origin: germline.

All of Us Research Program, National Institutes of Health
Classification: Likely benign for Catecholaminergic polymorphic ventricular tachycardia. Last evaluated: 2024-01-11. Review status: criteria provided, single submitter. Criteria: ACMG Guidelines, 2015. Collection method: clinical testing. Allele origin: germline. Inheritance: Autosomal dominant inheritance. Observed: 7 variant alleles, 7 heterozygotes.
Comment: This study involves interpretation of variants in research participants for the purpose of population health screening. Participant phenotype was not available at the time of variant classification. Additional details can be found in publication PMID: 35346344, PMCID: PMC8962531

CeGaT Center for Human Genetics Tuebingen
Classification: Likely benign. Last evaluated: 2023-11-01. Review status: criteria provided, single submitter. Criteria: CeGaT Center For Human Genetics Tuebingen Variant Classification Criteria Version 2. Collection method: clinical testing. Allele origin: germline. Affected: yes. Observed: 1 variant allele.
Comment: RYR2: BP4

Color Diagnostics, LLC DBA Color Health
Classification: Likely benign for Cardiomyopathy. Last evaluated: 2019-09-09. Review status: criteria provided, single submitter. Criteria: ACMG Guidelines, 2015. Collection method: clinical testing. Allele origin: germline.